The following is an entry in ClinVar:

NM_005444.3(CNOT9):c.296G>A (p.Cys99Tyr)

Gene: CNOT9 (CCR4-NOT transcription complex subunit 9; plus strand). Cytogenetic location: 2q35.
Variant type: single nucleotide variant.
Coding change: c.296G>A on transcript NM_005444.3 (MANE Select); coding-DNA position 296, G replaced by A.
Protein change: p.Cys99Tyr; replaces cysteine 99 with tyrosine.
Molecular consequence: missense variant. On other transcripts: non-coding transcript variant (1).
Genome position (GRCh38, 1-based): chr2:218,583,062, G>A. VCF-style: chr2-218583062-G-A. GRCh37 (hg19) VCF-style: chr2-219447785-G-A.
Other names: c.296G>A, p.Cys99Tyr (NM_001271634.2, NM_001271635.2); short protein forms C99Y.
Identifiers: ClinVar variation 4686241 (VCV004686241.2).

ClinVar aggregate classification (germline): Uncertain significance (1 of 4 stars; one submission).

Submission:

GeneDx
Classification: Uncertain significance. Last evaluated: 2026-04-26. Review status: criteria provided, single submitter. Criteria: GeneDx Variant Classification Process June 2021. Collection method: clinical testing. Allele origin: germline.
Comment: Not observed at significant frequency in large population cohorts (gnomAD); In silico analysis supports that this missense variant has a deleterious effect on protein structure/function; Has not been previously published as pathogenic or benign to our knowledge